The following is an entry in ClinVar:

NM_024422.6(DSC2):c.1317T>C (p.Asn439=)

Gene: DSC2 (desmocollin 2; minus strand). Cytogenetic location: 18q12.1.
Variant type: single nucleotide variant.
Coding change: c.1317T>C on transcript NM_024422.6 (MANE Select); coding-DNA position 1317, T replaced by C.
Protein change: p.Asn439=; no amino-acid change (asparagine 439 retained).
Molecular consequence: synonymous variant.
Genome position (GRCh38, 1-based): chr18:31,080,299, A>G on the plus strand (T>C on the coding strand, the complement: DSC2 is on the minus strand). VCF-style: chr18-31080299-A-G. GRCh37 (hg19) VCF-style: chr18-28660265-A-G.
Other names: c.1317T>C, p.Asn439= (NM_004949.5).
Identifiers: ClinVar variation 1136573 (VCV001136573.10), dbSNP rs1987173870, ClinGen allele CA503387159.

ClinVar aggregate classification (germline): Likely benign. Review status: criteria provided, multiple submitters, no conflicts (2 of 4 stars). 2 submissions from 2 submitters: Likely benign (2). Last evaluated 2024-07-29.

Conditions:
Arrhythmogenic right ventricular dysplasia 11. Also called: Arrhythmogenic Right Ventricular Dysplasia/Cardiomyopathy11; ARRHYTHMOGENIC RIGHT VENTRICULAR DYSPLASIA, FAMILIAL, 11; Arrhythmogenic right ventricular dysplasia 11 with mild palmoplantar keratoderma and woolly hair. Identifiers: MedGen C1864850, MONDO:0012506, OMIM 610476.
Familial isolated arrhythmogenic right ventricular dysplasia. Identifiers: Orphanet 217656, MedGen C4274968, MONDO:0016342.

Allele frequency attached by ClinVar (database versions not stated): TOPMed below 0.00001.

Submissions (2):

All of Us Research Program, National Institutes of Health
Classification: Likely benign for Familial isolated arrhythmogenic right ventricular dysplasia. Last evaluated: 2024-07-29. Review status: criteria provided, single submitter. Criteria: ACMG Guidelines, 2015. Collection method: clinical testing. Allele origin: germline. Inheritance: Autosomal dominant inheritance. Observed: 1 variant allele, 1 heterozygote.
Comment: This study involves interpretation of variants in research participants for the purpose of population health screening. Participant phenotype was not available at the time of variant classification. Additional details can be found in publication PMID: 35346344, PMCID: PMC8962531

Labcorp Genetics (formerly Invitae), Labcorp
Classification: Likely benign for Arrhythmogenic right ventricular dysplasia 11. Last evaluated: 2020-06-29. Review status: criteria provided, single submitter. Criteria: Invitae Variant Classification Sherloc (09022015). Collection method: clinical testing. Allele origin: germline.